The following is an entry in ClinVar:

ClinVar aggregate classification (germline): Pathogenic (1 of 4 stars; one submission).

Submission:

Labcorp Genetics (formerly Invitae), Labcorp
Classification: Pathogenic. Last evaluated: 2022-06-23. Review status: criteria provided, single submitter. Criteria: Invitae Variant Classification Sherloc (09022015). Collection method: clinical testing. Allele origin: germline.
Comment: For these reasons, this variant has been classified as Pathogenic. This variant has not been reported in the literature in individuals affected with LZTR1-related conditions. This variant is not present in population databases (gnomAD no frequency). This sequence change creates a premature translational stop signal (p.Lys534Ilefs*134) in the LZTR1 gene. It is expected to result in an absent or disrupted protein product. Loss-of-function variants in LZTR1 are known to be pathogenic (PMID: 24362817, 25335493, 25480913, 25795793, 29469822, 30442762, 30442766, 30481304, 30859559).

Literature cited by the submitters: PubMed 24362817; PubMed 25335493; PubMed 25480913; PubMed 25795793; PubMed 29469822; PubMed 30442762; PubMed 30442766; PubMed 30481304; PubMed 30859559.

NM_006767.4(LZTR1):c.1601_1602del (p.Lys534fs)

Gene: LZTR1 (leucine zipper like post translational regulator 1; plus strand). Cytogenetic location: 22q11.21.
Variant type: Deletion.
Coding change: c.1601_1602del on transcript NM_006767.4 (MANE Select); coding-DNA positions 1601 to 1602, 2 bases deleted (AA; older notation c.1601_1602delAA).
Protein change: p.Lys534fs; shifts the reading frame from lysine 534.
Molecular consequence: frameshift variant.
Genome position (GRCh38, 1-based): chr22:20,994,255-20,994,256, AA deleted; deleting any 2 consecutive bases within chr22:20,994,254-20,994,256 gives the same sequence; the c. name uses the placement nearest the transcript's 3' end. VCF-style (leftmost placement, unchanged base first): chr22-20994253-CAA-C. GRCh37 (hg19) VCF-style: chr22-21348542-CAA-C.
Other names: short protein forms K534fs.
Identifiers: ClinVar variation 2009678 (VCV002009678.4), dbSNP rs1268674934, ClinGen allele CA2580099202.